The following is an entry in ClinVar:

ClinVar aggregate classification (germline): Likely pathogenic (1 of 4 stars; one submission).

Allele frequency attached by ClinVar (database versions not stated): gnomAD exomes below 0.00001; TOPMed below 0.00001.
gnomAD v4.1: 4 of 1,609,944 alleles (0.00025%); highest among the groups gnomAD compares: Non-Finnish European, 0.00026%; no homozygotes.

Submission:

Labcorp Genetics (formerly Invitae), Labcorp
Classification: Likely pathogenic. Last evaluated: 2026-01-26. Review status: criteria provided, single submitter. Criteria: Invitae Variant Classification Sherloc (09022015). Collection method: clinical testing. Allele origin: germline.
Comment: This sequence change affects an acceptor splice site in intron 8 of the ASCC1 gene. It is expected to disrupt RNA splicing. Variants that disrupt the donor or acceptor splice site typically lead to a loss of protein function (PMID: 16199547), and loss-of-function variants in ASCC1 are known to be pathogenic (PMID: 30327447). This variant is present in population databases (rs767094468, gnomAD 0.0009%). This variant has not been reported in the literature in individuals affected with ASCC1-related conditions. ClinVar contains an entry for this variant (Variation ID: 1931274). Algorithms developed to predict the effect of sequence changes on RNA splicing suggest that this variant may disrupt the consensus splice site. In summary, the currently available evidence indicates that the variant is pathogenic, but additional data are needed to prove that conclusively. Therefore, this variant has been classified as Likely Pathogenic.

Literature cited by the submitters: PubMed 16199547; PubMed 30327447.

NM_001198800.3(ASCC1):c.872-1G>C

Gene: ASCC1 (activating signal cointegrator 1 complex subunit 1; minus strand). Cytogenetic location: 10q22.1.
Variant type: single nucleotide variant.
Coding change: c.872-1G>C on transcript NM_001198800.3 (MANE Select); the canonical splice acceptor site of the intron before coding-DNA position 872, G replaced by C.
Molecular consequence: splice acceptor variant. On other transcripts: intron variant (3).
Genome position (GRCh38, 1-based): chr10:72,128,168, C>G on the plus strand (G>C on the coding strand, the complement: ASCC1 is on the minus strand). VCF-style: chr10-72128168-C-G. GRCh37 (hg19) VCF-style: chr10-73887926-C-G.
Other names: c.818-1G>C (NM_001369099.1); c.938-1G>C (NM_001369086.1, NM_001369085.1); c.751+4889G>C (NM_001369112.1); c.752-1G>C (NM_001369108.1, NM_001369103.1, NM_001369100.1 and 2 more transcripts); c.871+4889G>C (NM_001369110.1, NM_001369111.1); c.872-1G>C (NM_001369096.1, NM_001369090.1, NM_001369087.1 and 10 more transcripts); c.956-1G>C (NM_001198799.3); c.755-1G>C (NM_001369105.1, NM_001369102.1, NM_001369106.1 and 2 more transcripts).
Identifiers: ClinVar variation 1931274 (VCV001931274.5), dbSNP rs767094468, ClinGen allele CA209521913.